The following is an entry in ClinVar:

ClinVar aggregate classification (germline): Likely pathogenic (1 of 4 stars; one submission).

Submission:

CeGaT Center for Human Genetics Tuebingen
Classification: Likely pathogenic. Last evaluated: 2022-07-01. Review status: criteria provided, single submitter. Criteria: CeGaT Center For Human Genetics Tuebingen Variant Classification Criteria Version 2. Collection method: clinical testing. Allele origin: germline. Affected: yes. Observed: 1 variant allele.
Comment: KDM6B: PVS1:Strong, PM2

NM_001348716.2(KDM6B):c.3566_3567+6del

Gene: KDM6B (lysine demethylase 6B; plus strand). Cytogenetic location: 17p13.1.
Variant type: Deletion.
Coding change: c.3566_3567+6del on transcript NM_001348716.2 (MANE Select); coding-DNA position 3566 through 6 bases into the intron after coding-DNA position 3567, 8 bases deleted (ATGTATGT; older notation c.3566_3567+6delATGTATGT).
Molecular consequence: splice donor variant.
Genome position (GRCh38, 1-based): chr17:7,849,946-7,849,953, ATGTATGT deleted; deleting any 8 consecutive bases within chr17:7,849,945-7,849,953 gives the same sequence; the c. name uses the placement nearest the transcript's 3' end. VCF-style (leftmost placement, unchanged base first): chr17-7849944-CTATGTATG-C. GRCh37 (hg19) VCF-style: chr17-7753262-CTATGTATG-C.
Other names: c.3566_3567+6del (NM_001080424.2).
Identifiers: ClinVar variation 1701307 (VCV001701307.31), dbSNP rs2151378447, ClinGen allele CA2580094887.